The following is an entry in ClinVar:

ClinVar aggregate classification (germline): Likely benign. Review status: criteria provided, multiple submitters, no conflicts (2 of 4 stars). 3 submissions from 3 submitters: Likely benign (3). Last evaluated 2024-04-04.

Conditions:
Ehlers-Danlos syndrome, type 4 (EDSVASC). Also called: Ehlers-Danlos syndrome vascular type; Ehlers Danlos syndrome, ecchymotic type; Ehlers Danlos syndrome, arterial type; Ehlers Danlos syndrome, Sack-Barabas type; Ehlers-Danlos Syndrome Type IV. Identifiers: Orphanet 286, MedGen C0268338, MONDO:0017314, OMIM 130050.
Familial thoracic aortic aneurysm and aortic dissection (TAAD). Also called: Thoracic aortic aneurysms and dissections. Identifiers: Orphanet 91387, MedGen C4707243, MONDO:0019625.

Allele frequency attached by ClinVar (database versions not stated): ExAC 0.00002; gnomAD 0.00002; gnomAD exomes 0.00002 and 0.00004.

Submissions (3):

Blueprint Genetics
Classification: Likely benign. Last evaluated: 2024-04-04. Review status: criteria provided, single submitter. Criteria: ACMG Guidelines, 2015. Collection method: clinical testing. Allele origin: germline.

All of Us Research Program, National Institutes of Health
Classification: Likely benign for Ehlers-Danlos syndrome, type 4. Last evaluated: 2023-03-23. Review status: criteria provided, single submitter. Criteria: ACMG Guidelines, 2015. Collection method: clinical testing. Allele origin: germline. Inheritance: Autosomal dominant inheritance. Observed: 1 variant allele, 1 heterozygote.
Comment: This study involves interpretation of variants in research participants for the purpose of population health screening. Participant phenotype was not available at the time of variant classification. Additional details can be found in publication PMID: 35346344, PMCID: PMC8962531

Color Diagnostics, LLC DBA Color Health
Classification: Likely benign for Familial thoracic aortic aneurysm and aortic dissection. Last evaluated: 2021-01-19. Review status: criteria provided, single submitter. Criteria: ACMG Guidelines, 2015. Collection method: clinical testing. Allele origin: germline.

NM_000090.4(COL3A1):c.1038C>T (p.Ser346=)

Gene: COL3A1 (collagen type III alpha 1 chain; plus strand). Cytogenetic location: 2q32.2.
Variant type: single nucleotide variant.
Coding change: c.1038C>T on transcript NM_000090.4 (MANE Select); coding-DNA position 1038, C replaced by T.
Protein change: p.Ser346=; no amino-acid change (serine 346 retained).
Molecular consequence: synonymous variant.
Genome position (GRCh38, 1-based): chr2:188,992,928, C>T. VCF-style: chr2-188992928-C-T. GRCh37 (hg19) VCF-style: chr2-189857654-C-T.
Identifiers: ClinVar variation 1171675 (VCV001171675.4), dbSNP rs772423521, ClinGen allele CA073722.
Genomic context (GRCh38, chr2:188,992,928, plus strand): 5'-TTGTATTTAATTTTTTCAGGGCCCTCCTGGTCCTCCTGGAACTGCCGGATTCCCTGGATC[C>T]CCTGGTGCTAAGGTAAACATGTGTTTCTATAGAAGGGTATAAAAATATCTTGGAGGCAAG-3'
Protein context (NP_000081.2, residues 336-356): GPPGTAGFPG[Ser346=]PGAKGEVGPA